The following is an entry in ClinVar:

ClinVar aggregate classification (germline): Uncertain significance. Review status: criteria provided, multiple submitters, no conflicts (2 of 4 stars). 4 submissions from 3 submitters: Uncertain significance (4). Last evaluated 2023-11-04.

Conditions:
Retinitis pigmentosa 39 (RP39). Identifiers: Orphanet 791, MedGen C3151138, MONDO:0013436, OMIM 613809.
Usher syndrome type 2A. Also called: USHER SYNDROME, TYPE IIA; RETINAL DISEASE IN USHER SYNDROME TYPE IIA, MODIFIER OF. Identifiers: Orphanet 231178, Orphanet 886, MedGen C1848634, MONDO:0010169, OMIM 276901.
Inborn genetic diseases. Identifiers: MedGen C0950123, MeSH D030342.

Allele frequency attached by ClinVar (database versions not stated): gnomAD exomes below 0.00001; TOPMed 0.00001.
gnomAD v4.1: 7 of 1,613,162 alleles (0.00043%); highest among the groups gnomAD compares: Non-Finnish European, 0.00051%; no homozygotes.

Submissions (4):

Genome-Nilou Lab
Classification: Uncertain significance for Retinitis pigmentosa 39. Last evaluated: 2023-11-04. Review status: criteria provided, single submitter. Criteria: ACMG Guidelines, 2015. Collection method: clinical testing. Allele origin: germline. Affected: no.

Genome-Nilou Lab
Classification: Uncertain significance for Usher syndrome type 2A. Last evaluated: 2023-11-04. Review status: criteria provided, single submitter. Criteria: ACMG Guidelines, 2015. Collection method: clinical testing. Allele origin: germline. Affected: no.

Ambry Genetics
Classification: Uncertain significance for Inborn genetic diseases. Last evaluated: 2023-09-12. Review status: criteria provided, single submitter. Criteria: Ambry Variant Classification Scheme 2023. Collection method: clinical testing. Allele origin: germline.

Labcorp Genetics (formerly Invitae), Labcorp
Classification: Uncertain significance. Last evaluated: 2022-01-14. Review status: criteria provided, single submitter. Criteria: Invitae Variant Classification Sherloc (09022015). Collection method: clinical testing. Allele origin: germline.
Comment: This sequence change replaces proline, which is neutral and non-polar, with serine, which is neutral and polar, at codon 1037 of the USH2A protein (p.Pro1037Ser). This variant is present in population databases (no rsID available, gnomAD 0.0009%). This variant has not been reported in the literature in individuals affected with USH2A-related conditions. ClinVar contains an entry for this variant (Variation ID: 1021562). Algorithms developed to predict the effect of missense changes on protein structure and function are either unavailable or do not agree on the potential impact of this missense change (SIFT: "Deleterious"; PolyPhen-2: "Possibly Damaging"; Align-GVGD: "Class C0"). In summary, the available evidence is currently insufficient to determine the role of this variant in disease. Therefore, it has been classified as a Variant of Uncertain Significance.

NM_206933.4(USH2A):c.3109C>T (p.Pro1037Ser)

Genes: USH2A (usherin; minus strand), USH2A-AS1 (USH2A antisense RNA 1; plus strand). Cytogenetic location: 1q41.
Variant type: single nucleotide variant.
Coding change: c.3109C>T on transcript NM_206933.4 (MANE Select); coding-DNA position 3109, C replaced by T.
Protein change: p.Pro1037Ser; replaces proline 1037 with serine.
Molecular consequence: missense variant.
Genome position (GRCh38, 1-based): chr1:216,217,435, G>A on the plus strand (C>T on the coding strand, the complement: USH2A is on the minus strand). VCF-style: chr1-216217435-G-A. GRCh37 (hg19) VCF-style: chr1-216390777-G-A.
Other names: c.3109C>T (NM_206933.2); c.3109C>T, p.Pro1037Ser (NM_007123.6); short protein forms P1037S.
Identifiers: ClinVar variation 1021562 (VCV001021562.5), dbSNP rs1396798963, ClinGen allele CA344862771.